The following is an entry in ClinVar:

ClinVar aggregate classification (germline): Uncertain significance (1 of 4 stars; one submission).

Submission:

Ambry Genetics
Classification: Uncertain significance. Last evaluated: 2024-11-22. Review status: criteria provided, single submitter. Criteria: Ambry Variant Classification Scheme 2023. Collection method: clinical testing. Allele origin: germline.
Comment: The p.N510K variant (also known as c.1530C>G), located in coding exon 8 of the ATRIP gene, results from a C to G substitution at nucleotide position 1530. The asparagine at codon 510 is replaced by lysine, an amino acid with similar properties. This amino acid position is conserved. In addition, this alteration is predicted to be tolerated by in silico analysis. Based on the available evidence, the clinical significance of this variant remains unclear.

NM_130384.3(ATRIP):c.1530C>G (p.Asn510Lys)

Genes: ATRIP (ATR interacting protein; plus strand), ATRIP-TREX1 (ATRIP-TREX1 readthrough; plus strand). Cytogenetic location: 3p21.31.
Variant type: single nucleotide variant.
Coding change: c.1530C>G on transcript NM_130384.3 (MANE Select); coding-DNA position 1530, C replaced by G.
Protein change: p.Asn510Lys; replaces asparagine 510 with lysine.
Molecular consequence: missense variant. On other transcripts: non-coding transcript variant (1).
Genome position (GRCh38, 1-based): chr3:48,460,584, C>G. VCF-style: chr3-48460584-C-G. GRCh37 (hg19) VCF-style: chr3-48501983-C-G.
Other names: c.1149C>G, p.Asn383Lys (NM_001271022.2); c.1251C>G, p.Asn417Lys (NM_001271023.2); c.1530C>G, p.Asn510Lys (NM_032166.4); short protein forms N383K, N510K, N417K.
Identifiers: ClinVar variation 3464236 (VCV003464236.1).
Genomic context (GRCh38, chr3:48,460,584, plus strand): 5'-AGCAGTCGTCTCCCTATTACTGTCAGGAGTGGGGGCAGATTCTGCTGCTGGGGAAGGAAA[C>G]AGGAGCCTGGTTCACAGGCTTAGTGATGGAGATATGACCTCAGCCCTAAGGGGGGTTGCT-3'
Protein context (NP_569055.1, residues 500-520): VGADSAAGEG[Asn510Lys]RSLVHRLSDG